The following is an entry in ClinVar:

ClinVar aggregate classification (germline): Uncertain significance (1 of 4 stars; one submission).

Submission:

Ambry Genetics
Classification: Uncertain significance. Last evaluated: 2021-12-12. Review status: criteria provided, single submitter. Criteria: Ambry Variant Classification Scheme 2023. Collection method: clinical testing. Allele origin: germline.
Comment: The p.G149S variant (also known as c.445G>A), located in coding exon 1 of the EGLN2 gene, results from a G to A substitution at nucleotide position 445. The glycine at codon 149 is replaced by serine, an amino acid with similar properties. This amino acid position is conserved. In addition, this alteration is predicted to be tolerated by in silico analysis. Since supporting evidence is limited at this time, the clinical significance of this alteration remains unclear.

NM_080732.4(EGLN2):c.445G>A (p.Gly149Ser)

Genes: EGLN2 (egl-9 family hypoxia inducible factor 2; plus strand), RAB4B-EGLN2 (RAB4B-EGLN2 readthrough (NMD candidate); plus strand). Cytogenetic location: 19q13.2.
Variant type: single nucleotide variant.
Coding change: c.445G>A on transcript NM_080732.4 (MANE Select); coding-DNA position 445, G replaced by A.
Protein change: p.Gly149Ser; replaces glycine 149 with serine.
Molecular consequence: missense variant. On other transcripts: non-coding transcript variant (1).
Genome position (GRCh38, 1-based): chr19:40,801,017, G>A. VCF-style: chr19-40801017-G-A. GRCh37 (hg19) VCF-style: chr19-41306922-G-A.
Other names: c.445G>A, p.Gly149Ser (NM_053046.4); short protein forms G149S.
Identifiers: ClinVar variation 1740764 (VCV001740764.2), dbSNP rs2515994164, ClinGen allele CA405955268.